The following is an entry in ClinVar:

NM_002474.3(MYH11):c.5371G>C (p.Glu1791Gln)

Genes: NDE1 (nudE neurodevelopment protein 1; plus strand), MYH11 (myosin heavy chain 11; minus strand). Cytogenetic location: 16p13.11.
Variant type: single nucleotide variant.
Coding change: c.5371G>C on transcript NM_002474.3 (MANE Select); coding-DNA position 5371, G replaced by C.
Protein change: p.Glu1791Gln; replaces glutamic acid 1791 with glutamine.
Molecular consequence: missense variant. On other transcripts: intron variant (2).
Genome position (GRCh38, 1-based): chr16:15,717,273, C>G on the plus strand (G>C on the coding strand, the complement: MYH11 is on the minus strand). VCF-style: chr16-15717273-C-G. GRCh37 (hg19) VCF-style: chr16-15811130-C-G.
Other names: c.5392G>C, p.Glu1798Gln (NM_001040113.2, NM_001040114.2); c.5371G>C, p.Glu1791Gln (NM_022844.3); c.948-6918C>G (NM_001143979.2, NM_017668.3); short protein forms E1798Q, E1791Q.
Identifiers: ClinVar variation 921752 (VCV000921752.11), dbSNP rs368269107, ClinGen allele CA7921288.

ClinVar aggregate classification (germline): Uncertain significance. Review status: criteria provided, multiple submitters, no conflicts (2 of 4 stars). 5 submissions from 5 submitters: Uncertain significance (5). Last evaluated 2024-03-07.

Conditions:
Aortic aneurysm, familial thoracic 4 (AAT4). Also called: AORTIC ANEURYSM/AORTIC DISSECTION AND PATENT DUCTUS ARTERIOSUS. Identifiers: MedGen C1851504, MONDO:0007568, OMIM 132900.
Familial thoracic aortic aneurysm and aortic dissection (TAAD). Also called: Thoracic aortic aneurysms and dissections. Identifiers: Orphanet 91387, MedGen C4707243, MONDO:0019625.

Allele frequency attached by ClinVar (database versions not stated): TOPMed 0.00003; ESP Exome Variant Server 0.00008.
gnomAD v4.1: 17 of 1,613,798 alleles (0.0011%); highest among the groups gnomAD compares: Middle Eastern, 0.016%; no homozygotes.

Submissions (5):

Color Diagnostics, LLC DBA Color Health
Classification: Uncertain significance for Familial thoracic aortic aneurysm and aortic dissection. Last evaluated: 2024-03-07. Review status: criteria provided, single submitter. Criteria: ACMG Guidelines, 2015. Collection method: clinical testing. Allele origin: germline.
Comment: This missense variant replaces glutamic acid with glutamine at codon 1798 of the MYH11 protein. Computational prediction suggests that this variant may have a deleterious impact on protein structure and function (internally defined REVEL score threshold >= 0.7, PMID: 27666373). To our knowledge, functional studies have not been reported for this variant. This variant has not been reported in individuals affected with MYH11-related disorders in the literature. This variant has been identified in 4/282470 chromosomes in the general population by the Genome Aggregation Database (gnomAD). The available evidence is insufficient to determine the role of this variant in disease conclusively. Therefore, this variant is classified as a Variant of Uncertain Significance.

Labcorp Genetics (formerly Invitae), Labcorp
Classification: Uncertain significance for Aortic aneurysm, familial thoracic 4. Last evaluated: 2023-11-07. Review status: criteria provided, single submitter. Criteria: Invitae Variant Classification Sherloc (09022015). Collection method: clinical testing. Allele origin: germline.
Comment: This sequence change replaces glutamic acid, which is acidic and polar, with glutamine, which is neutral and polar, at codon 1798 of the MYH11 protein (p.Glu1798Gln). This variant is present in population databases (rs368269107, gnomAD 0.004%). This variant has not been reported in the literature in individuals affected with MYH11-related conditions. ClinVar contains an entry for this variant (Variation ID: 921752). Advanced modeling of protein sequence and biophysical properties (such as structural, functional, and spatial information, amino acid conservation, physicochemical variation, residue mobility, and thermodynamic stability) performed at Invitae indicates that this missense variant is not expected to disrupt MYH11 protein function with a negative predictive value of 95%. In summary, the available evidence is currently insufficient to determine the role of this variant in disease. Therefore, it has been classified as a Variant of Uncertain Significance.

All of Us Research Program, National Institutes of Health
Classification: Uncertain significance for Familial thoracic aortic aneurysm and aortic dissection. Last evaluated: 2023-10-30. Review status: criteria provided, single submitter. Criteria: ACMG Guidelines, 2015. Collection method: clinical testing. Allele origin: germline. Inheritance: Autosomal dominant inheritance. Observed: 2 variant alleles, 2 heterozygotes.
Comment: This missense variant replaces glutamic acid with glutamine at codon 1798 of the MYH11 protein. Computational prediction suggests that this variant may have deleterious impact on protein structure and function (internally defined REVEL score threshold >= 0.7, PMID: 27666373). Splice site prediction tools suggest that this variant may not impact RNA splicing. To our knowledge, functional studies have not been reported for this variant. This variant has not been reported in individuals affected with cardiovascular disorders in the literature. This variant has been identified in 4/282470 chromosomes in the general population by the Genome Aggregation Database (gnomAD). The available evidence is insufficient to determine the role of this variant in disease conclusively. Therefore, this variant is classified as a Variant of Uncertain Significance.

This study involves interpretation of variants in research participants for the purpose of population health screening. Participant phenotype was not available at the time of variant classification. Additional details can be found in publication PMID: 35346344, PMCID: PMC8962531

Ambry Genetics
Classification: Uncertain significance for Familial thoracic aortic aneurysm and aortic dissection. Last evaluated: 2023-02-21. Review status: criteria provided, single submitter. Criteria: Ambry Variant Classification Scheme 2023. Collection method: clinical testing. Allele origin: germline.
Comment: The p.E1791Q variant (also known as c.5371G>C), located in coding exon 37 of the MYH11 gene, results from a G to C substitution at nucleotide position 5371. The glutamic acid at codon 1791 is replaced by glutamine, an amino acid with highly similar properties. This amino acid position is highly conserved in available vertebrate species. In addition, the in silico prediction for this alteration is inconclusive. Since supporting evidence is limited at this time, the clinical significance of this alteration remains unclear.

AiLife Diagnostics
Classification: Uncertain significance. Last evaluated: 2022-01-07. Review status: criteria provided, single submitter. Criteria: ACMG Guidelines, 2015. Collection method: clinical testing. Allele origin: germline. Affected: yes. Observed: 2 variant alleles.